The following is an entry in ClinVar:

ClinVar aggregate classification (germline): Uncertain significance. Review status: criteria provided, multiple submitters, no conflicts (2 of 4 stars). 2 submissions from 2 submitters: Uncertain significance (2). Last evaluated 2023-11-27.

Conditions:
Inborn genetic diseases. Identifiers: MedGen C0950123, MeSH D030342.

Allele frequency attached by ClinVar (database versions not stated): gnomAD 0.00001; gnomAD exomes 0.00001; TOPMed 0.00003.
gnomAD v4.1: 9 of 1,612,816 alleles (0.00056%); highest among the groups gnomAD compares: African/African-American, 0.0013%; no homozygotes.

Submissions (2):

Labcorp Genetics (formerly Invitae), Labcorp
Classification: Uncertain significance. Last evaluated: 2023-11-27. Review status: criteria provided, single submitter. Criteria: Invitae Variant Classification Sherloc (09022015). Collection method: clinical testing. Allele origin: germline.
Comment: This sequence change replaces aspartic acid, which is acidic and polar, with glycine, which is neutral and non-polar, at codon 750 of the CDH2 protein (p.Asp750Gly). This variant is present in population databases (no rsID available, gnomAD 0.002%). This variant has not been reported in the literature in individuals affected with CDH2-related conditions. An algorithm developed to predict the effect of missense changes on protein structure and function (PolyPhen-2) suggests that this variant is likely to be disruptive. In summary, the available evidence is currently insufficient to determine the role of this variant in disease. Therefore, it has been classified as a Variant of Uncertain Significance.

Ambry Genetics
Classification: Uncertain significance for Inborn genetic diseases. Last evaluated: 2021-09-16. Review status: criteria provided, single submitter. Criteria: Ambry Variant Classification Scheme 2023. Collection method: clinical testing. Allele origin: germline.
Comment: The p.D750G variant (also known as c.2249A>G), located in coding exon 14 of the CDH2 gene, results from an A to G substitution at nucleotide position 2249. The aspartic acid at codon 750 is replaced by glycine, an amino acid with similar properties. This amino acid position is conserved. In addition, this alteration is predicted to be deleterious by in silico analysis. Since supporting evidence is limited at this time, the clinical significance of this alteration remains unclear.

NM_001792.5(CDH2):c.2249A>G (p.Asp750Gly)

Gene: CDH2 (cadherin 2; minus strand). Cytogenetic location: 18q12.1.
Variant type: single nucleotide variant.
Coding change: c.2249A>G on transcript NM_001792.5 (MANE Select); coding-DNA position 2249, A replaced by G.
Protein change: p.Asp750Gly; replaces aspartic acid 750 with glycine.
Molecular consequence: missense variant.
Genome position (GRCh38, 1-based): chr18:27,983,044, T>C on the plus strand (A>G on the coding strand, the complement: CDH2 is on the minus strand). VCF-style: chr18-27983044-T-C. GRCh37 (hg19) VCF-style: chr18-25563008-T-C.
Other names: c.2156A>G, p.Asp719Gly (NM_001308176.2); short protein forms D750G, D719G.
Identifiers: ClinVar variation 1788376 (VCV001788376.7), dbSNP rs879079313, ClinGen allele CA297677699.